The following is an entry in ClinVar:

ClinVar aggregate classification (germline): Uncertain significance (1 of 4 stars; one submission).

Conditions:
Combined immunodeficiency due to ORAI1 deficiency. Also called: IMMUNODEFICIENCY 9. Identifiers: Orphanet 169090, Orphanet 317428, MedGen C2748568, MONDO:0013007, OMIM 612782.
Myopathy, tubular aggregate, 2 (TAM2). Identifiers: MedGen C4014557, MONDO:0014383, OMIM 615883.

Submission:

Labcorp Genetics (formerly Invitae), Labcorp
Classification: Uncertain significance for Myopathy, tubular aggregate, 2; Combined immunodeficiency due to ORAI1 deficiency. Last evaluated: 2025-09-15. Review status: criteria provided, single submitter. Criteria: Invitae Variant Classification Sherloc (09022015). Collection method: clinical testing. Allele origin: germline.
Comment: This sequence change replaces proline, which is neutral and non-polar, with alanine, which is neutral and non-polar, at codon 206 of the ORAI1 protein (p.Pro206Ala). This variant is not present in population databases (gnomAD no frequency). This variant has not been reported in the literature in individuals affected with ORAI1-related conditions. ClinVar contains an entry for this variant (Variation ID: 1718311). Experimental studies and prediction algorithms are not available or were not evaluated, and the functional significance of this variant is currently unknown. In summary, the available evidence is currently insufficient to determine the role of this variant in disease. Therefore, it has been classified as a Variant of Uncertain Significance.

NC_000012.12:g.121641353C>G

Gene: ORAI1 (ORAI calcium release-activated calcium modulator 1; plus strand). Cytogenetic location: 12q24.31.
Variant type: single nucleotide variant.
Genome position: GRCh38 VCF-style: chr12-121641353-C-G. GRCh37 (hg19) VCF-style: chr12-122079259-C-G.
Other names: c.616C>G, p.Pro206Ala (NM_032790.4); short protein forms P206A.
Identifiers: ClinVar variation 1718311 (VCV001718311.6), dbSNP rs2503543959, ClinGen allele CA386983934.